The following is an entry in ClinVar:

NM_001165963.4(SCN1A):c.1436T>C (p.Leu479Pro)

Gene: SCN1A (sodium voltage-gated channel alpha subunit 1; minus strand). Cytogenetic location: 2q24.3.
Variant type: single nucleotide variant.
Coding change: c.1436T>C on transcript NM_001165963.4 (MANE Select); coding-DNA position 1436, T replaced by C.
Protein change: p.Leu479Pro; replaces leucine 479 with proline.
Molecular consequence: missense variant. On other transcripts: 5 prime UTR variant (1), non-coding transcript variant (1).
Genome position (GRCh38, 1-based): chr2:166,045,269, A>G on the plus strand (T>C on the coding strand, the complement: SCN1A is on the minus strand). VCF-style: chr2-166045269-A-G. GRCh37 (hg19) VCF-style: chr2-166901779-A-G.
Other names: c.1436T>C, p.Leu479Pro (NM_001165964.3, NM_001202435.3, NM_001353948.2 and 7 more transcripts); c.1433T>C, p.Leu478Pro (NM_001353954.2, NM_001353955.2, NM_001353960.2); c.-990T>C (NM_001353961.2); c.1436T>C (NM_006920.5); short protein forms L478P, L479P.
Identifiers: ClinVar variation 1062030 (VCV001062030.8), dbSNP rs1697679015, ClinGen allele CA349069800.

ClinVar aggregate classification (germline): Uncertain significance. Review status: criteria provided, multiple submitters, no conflicts (2 of 4 stars). 2 submissions from 2 submitters: Uncertain significance (2). Last evaluated 2025-08-10.

Conditions:
Early-infantile DEE. Also called: Early infantile epileptic encephalopathy; Early infantile epileptic encephalopathy with suppression bursts; Ohtahara syndrome. Identifiers: Orphanet 1934, MedGen C0393706, MONDO:0800491.
Generalized epilepsy with febrile seizures plus, type 2 (GEFSP2). Also called: GEFS+, TYPE 2. Identifiers: Orphanet 36387, MedGen C1858673, MONDO:0011461, OMIM 604403.
Developmental and epileptic encephalopathy 6B. Also called: Developmental and epileptic encephalopathy 6B, non-Dravet. Identifiers: MedGen C5543353, MONDO:0030268, OMIM 619317.
Severe myoclonic epilepsy in infancy (DRVT). Also called: DEVELOPMENTAL AND EPILEPTIC ENCEPHALOPATHY 6A; Severe Myoclonic Epilepsy in Infancy (SMEI); Dravet syndrome; Epileptic encephalopathy, early infantile, 6 (Dravet syndrome); SEVERE MYOCLONIC EPILEPSY OF INFANCY. Identifiers: Orphanet 33069, MedGen C0751122, MONDO:0100135, OMIM 607208.

Allele frequency attached by ClinVar (database versions not stated): TOPMed below 0.00001; gnomAD exomes 0.00001.
gnomAD v4.1: 8 of 1,614,148 alleles (0.0005%); highest among the groups gnomAD compares: Non-Finnish European, 0.00068%; no homozygotes.

Submissions (2):

Labcorp Genetics (formerly Invitae), Labcorp
Classification: Uncertain significance for Early-infantile DEE. Last evaluated: 2025-08-10. Review status: criteria provided, single submitter. Criteria: Invitae Variant Classification Sherloc (09022015). Collection method: clinical testing. Allele origin: germline.
Comment: This sequence change replaces leucine, which is neutral and non-polar, with proline, which is neutral and non-polar, at codon 479 of the SCN1A protein (p.Leu479Pro). This variant is not present in population databases (gnomAD no frequency). This variant has not been reported in the literature in individuals affected with SCN1A-related conditions. ClinVar contains an entry for this variant (Variation ID: 1062030). Invitae Evidence Modeling of protein sequence and biophysical properties (such as structural, functional, and spatial information, amino acid conservation, physicochemical variation, residue mobility, and thermodynamic stability) indicates that this missense variant is not expected to disrupt SCN1A protein function with a negative predictive value of 95%. In summary, the available evidence is currently insufficient to determine the role of this variant in disease. Therefore, it has been classified as a Variant of Uncertain Significance.

New York Genome Center
Classification: Uncertain significance for Developmental and epileptic encephalopathy 6B; Severe myoclonic epilepsy in infancy; Generalized epilepsy with febrile seizures plus, type 2. Last evaluated: 2023-05-25. Review status: criteria provided, single submitter. Criteria: NYGC Assertion Criteria 2020. Collection method: clinical testing. Allele origin: inherited. Observed: 1 heterozygote.